The following is an entry in ClinVar:

NM_017636.4(TRPM4):c.613-2A>G

Gene: TRPM4 (transient receptor potential cation channel subfamily M member 4; plus strand). Cytogenetic location: 19q13.33.
Variant type: single nucleotide variant.
Coding change: c.613-2A>G on transcript NM_017636.4 (MANE Select); the canonical splice acceptor site of the intron before coding-DNA position 613, A replaced by G.
Molecular consequence: splice acceptor variant.
Genome position (GRCh38, 1-based): chr19:49,168,551, A>G. VCF-style: chr19-49168551-A-G. GRCh37 (hg19) VCF-style: chr19-49671808-A-G.
Other names: c.613-2A>G (NM_001195227.2); c.-941-2A>G (NM_001321282.2); c.268-2A>G (NM_001321281.2); c.91-2A>G (NM_001321283.2); c.-237-2A>G (NM_001321285.2).
Identifiers: ClinVar variation 3227035 (VCV003227035.1), dbSNP rs1166676949, ClinGen allele CA406792035.

ClinVar aggregate classification (germline): Uncertain significance (1 of 4 stars; one submission).

Conditions:
Cardiovascular phenotype. Identifiers: MedGen CN230736.

gnomAD v4.1: 7 of 1,613,632 alleles (0.00043%); highest among the groups gnomAD compares: Non-Finnish European, 0.00051%; no homozygotes.

Submission:

Ambry Genetics
Classification: Uncertain significance for Cardiovascular phenotype. Last evaluated: 2024-01-17. Review status: criteria provided, single submitter. Criteria: Ambry Variant Classification Scheme 2023. Collection method: clinical testing. Allele origin: germline.
Comment: The c.613-2A>G intronic variant results from an A to G substitution two nucleotides before coding exon 6 in the TRPM4 gene. This nucleotide position is highly conserved in available vertebrate species. In silico splice site analysis predicts that this alteration will weaken the native splice acceptor site and will result in the creation or strengthening of a novel splice acceptor site. Alterations that disrupt the canonical splice site are expected to cause aberrant splicing, resulting in an abnormal protein or a transcript that is subject to nonsense-mediated mRNA decay. However, loss of function of TRPM4 has not been established as a mechanism of disease. Since supporting evidence is limited at this time, the clinical significance of this alteration remains unclear.